The following is an entry in ClinVar:

NM_032608.7(MYO18B):c.6567del (p.Asp2189fs)

Gene: MYO18B (myosin XVIIIB; plus strand). Cytogenetic location: 22q12.1.
Variant type: Deletion.
Coding change: c.6567del on transcript NM_032608.7 (MANE Select); coding-DNA position 6567, one base deleted (C; older notation c.6567delC).
Protein change: p.Asp2189fs; shifts the reading frame from aspartic acid 2189.
Molecular consequence: frameshift variant.
Genome position (GRCh38, 1-based): chr22:26,026,541, C deleted. VCF-style (leftmost placement, unchanged base first): chr22-26026540-AC-A. GRCh37 (hg19) VCF-style: chr22-26422506-AC-A.
Other names: c.6570del, p.Asp2190fs (NM_001318245.2); short protein forms D2190fs, D2189fs.
Identifiers: ClinVar variation 1962756 (VCV001962756.5), dbSNP rs1936254038, ClinGen allele CA2399004113.
Genomic context (GRCh38, chr22:26,026,540, plus strand): 5'-AGTCGGCATTGGCACTGAGCAGAGCCCGGTCCACCAATGTCCACAGCAAGACCTCAGGAG[AC>A]AAGCCTGTTTCTCCCCACTTTGTCCGCCGGCAAAAGTACTGTCATTTTGGGGACGGCGAA-3'

ClinVar aggregate classification (germline): Pathogenic (1 of 4 stars; one submission).

Allele frequency attached by ClinVar (database versions not stated): TOPMed 0.00001.

Submission:

Labcorp Genetics (formerly Invitae), Labcorp
Classification: Pathogenic. Last evaluated: 2024-03-19. Review status: criteria provided, single submitter. Criteria: Invitae Variant Classification Sherloc (09022015). Collection method: clinical testing. Allele origin: germline.
Comment: This sequence change creates a premature translational stop signal (p.Asp2189Glufs*33) in the MYO18B gene. It is expected to result in an absent or disrupted protein product. Loss-of-function variants in MYO18B are known to be pathogenic (PMID: 25748484, 32184166, 32637634). This variant is not present in population databases (gnomAD no frequency). This variant has not been reported in the literature in individuals affected with MYO18B-related conditions. ClinVar contains an entry for this variant (Variation ID: 1962756). For these reasons, this variant has been classified as Pathogenic.

Literature cited by the submitters: PubMed 25748484; PubMed 32184166; PubMed 32637634.